The following is an entry in ClinVar:

ClinVar aggregate classification (germline): Uncertain significance (1 of 4 stars; one submission).

Conditions:
Von Hippel-Lindau syndrome (VHLS). Also called: Von Hippel-Lindau; von Hippel–Lindau syndrome; VHL syndrome. Identifiers: Orphanet 892, MedGen C0019562, MONDO:0008667, OMIM 193300. Disease mechanism: loss of function.
Chuvash polycythemia. Also called: POLYCYTHEMIA, VHL-DEPENDENT. Identifiers: Orphanet 238557, MedGen C1837915, MONDO:0009892, OMIM 263400.

Submission:

Labcorp Genetics (formerly Invitae), Labcorp
Classification: Uncertain significance for Von Hippel-Lindau syndrome; Chuvash polycythemia. Last evaluated: 2024-07-11. Review status: criteria provided, single submitter. Criteria: Invitae Variant Classification Sherloc (09022015). Collection method: clinical testing. Allele origin: germline.
Comment: This sequence change falls in intron 1 of the VHL gene. It is not expected to change the encoded amino acid sequence of the VHL protein. However, this sequence change falls within a cryptic exon in the VHL gene, known as exon E1’, which is naturally expressed at low levels in several human tissues (PMID: 29891534). This variant is not present in population databases (gnomAD no frequency). This variant has not been reported in the literature in individuals affected with VHL-related conditions. ClinVar contains an entry for this variant (Variation ID: 1461569). Algorithms developed to predict the effect of sequence changes on RNA splicing suggest that this variant is not likely to affect RNA splicing. In summary, the available evidence is currently insufficient to determine the role of this variant in disease. Therefore, it has been classified as a Variant of Uncertain Significance.

Literature cited by the submitters: PubMed 29891534.

NM_000551.4(VHL):c.340+831C>G

Genes: VHL (von Hippel-Lindau tumor suppressor; plus strand), LOC107303340 (3p25 von Hippel-Lindau tumor suppressor, E3 ubiquitin protein ligase Alu-mediated recombination region; plus strand). Cytogenetic location: 3p25.3.
Variant type: single nucleotide variant.
Coding change: c.340+831C>G on transcript NM_000551.4 (MANE Select); 831 bases into the intron after coding-DNA position 340, C replaced by G.
Molecular consequence: intron variant. On other transcripts: 3 prime UTR variant (1).
Genome position (GRCh38, 1-based): chr3:10,143,018, C>G. VCF-style: chr3-10143018-C-G. GRCh37 (hg19) VCF-style: chr3-10184702-C-G.
Other names: c.*14C>G (NM_001354723.2); c.340+831C>G (NM_198156.3).
Identifiers: ClinVar variation 1461569 (VCV001461569.8), dbSNP rs1696165357, ClinGen allele CA1345067652.